The following is an entry in ClinVar:

ClinVar aggregate classification (germline): Likely benign. Review status: criteria provided, single submitter (1 of 4 stars). 2 submissions from 2 submitters: Likely benign (1). 1 of the submissions does not count toward it. Last evaluated 2024-03-28.

Conditions:
ADAMTSL2-related disorder. Also called: ADAMTSL2-related condition.

Allele frequency attached by ClinVar (database versions not stated): ExAC 0.00005; ESP Exome Variant Server 0.00009; gnomAD exomes 0.00009; gnomAD 0.00025; TOPMed 0.00025.
gnomAD v4.1: 157 of 1,509,900 alleles (0.01%); highest among the groups gnomAD compares: African/African-American, 0.049%; no homozygotes.

Submissions (2):

Blueprint Genetics
Classification: Likely benign. Last evaluated: 2024-03-28. Review status: criteria provided, single submitter. Criteria: ACMG Guidelines, 2015. Collection method: clinical testing. Allele origin: germline.

PreventionGenetics, part of Exact Sciences
Classification: Likely benign for ADAMTSL2-related condition. Last evaluated: 2019-04-22. Review status: no assertion criteria provided. Collection method: clinical testing. Allele origin: germline. Not counted in ClinVar's aggregate classification.
Comment: This variant is classified as likely benign based on ACMG/AMP sequence variant interpretation guidelines (Richards et al. 2015 PMID: 25741868, with internal and published modifications).

NM_014694.4(ADAMTSL2):c.321G>A (p.Pro107=)

Gene: ADAMTSL2 (ADAMTS like 2; plus strand). Cytogenetic location: 9q34.2.
Variant type: single nucleotide variant.
Coding change: c.321G>A on transcript NM_014694.4 (MANE Select); coding-DNA position 321, G replaced by A.
Protein change: p.Pro107=; no amino-acid change (proline 107 retained).
Molecular consequence: synonymous variant.
Genome position (GRCh38, 1-based): chr9:133,539,782, G>A. VCF-style: chr9-133539782-G-A. GRCh37 (hg19) VCF-style: chr9-136404904-G-A.
Other names: c.321G>A, p.Pro107= (NM_001145320.2).
Identifiers: ClinVar variation 3036812 (VCV003036812.3), dbSNP rs148682132, ClinGen allele CA5312577.